The following is an entry in ClinVar:

NM_201384.3(PLEC):c.338G>A (p.Arg113His)

Gene: PLEC (plectin; minus strand). Cytogenetic location: 8q24.3.
Variant type: single nucleotide variant.
Coding change: c.338G>A on transcript NM_201384.3 (MANE Select); coding-DNA position 338, G replaced by A.
Protein change: p.Arg113His; replaces arginine 113 with histidine.
Molecular consequence: missense variant.
Genome position (GRCh38, 1-based): chr8:143,937,169, C>T on the plus strand (G>A on the coding strand, the complement: PLEC is on the minus strand). VCF-style: chr8-143937169-C-T. GRCh37 (hg19) VCF-style: chr8-145011337-C-T.
Other names: c.419G>A, p.Arg140His (NM_000445.5); c.296G>A, p.Arg99His (NM_201378.4); c.272G>A, p.Arg91His (NM_201379.3); c.749G>A, p.Arg250His (NM_201380.4); c.242G>A, p.Arg81His (NM_201381.3); c.338G>A, p.Arg113His (NM_201382.4); c.350G>A, p.Arg117His (NM_201383.3); c.419G>A (NM_000445.4); short protein forms R117H, R140H, R81H, R99H, R113H, R250H, R91H.
Identifiers: ClinVar variation 595802 (VCV000595802.6), dbSNP rs781884905, ClinGen allele CA4928493.

ClinVar aggregate classification (germline): Uncertain significance. Review status: criteria provided, multiple submitters, no conflicts (2 of 4 stars). 2 submissions from 2 submitters: Uncertain significance (2). Last evaluated 2026-01-25.

Conditions:
PLEC-related disorder. Also called: PLEC-related disorders; PLEC-related condition.

Allele frequency attached by ClinVar (database versions not stated): gnomAD 0.00001; TOPMed 0.00003; gnomAD exomes 0.00004; ExAC 0.00005.
gnomAD v4.1: 58 of 1,611,932 alleles (0.0036%); highest among the groups gnomAD compares: East Asian, 0.0045%; no homozygotes.

Submissions (2):

PreventionGenetics, part of Exact Sciences
Classification: Uncertain significance for PLEC-related condition. Last evaluated: 2026-01-25. Review status: criteria provided, single submitter. Criteria: ACMG Guidelines, 2015. Collection method: clinical testing. Allele origin: germline.
Comment: The PLEC c.419G>A variant is predicted to result in the amino acid substitution p.Arg140His. To our knowledge, this variant has not been reported in the literature. This variant is reported in 0.0065% of alleles in individuals of South Asian descent in gnomAD. At this time, the clinical significance of this variant is uncertain due to the absence of conclusive functional and genetic evidence.

Eurofins Ntd Llc (ga)
Classification: Uncertain significance. Last evaluated: 2018-01-22. Review status: criteria provided, single submitter. Criteria: EGL Classification Definitions 2015. Collection method: clinical testing. Allele origin: germline. Observed: 1 variant allele, 1 heterozygote.